The following is an entry in ClinVar:

NM_003801.4(GPAA1):c.139C>G (p.Arg47Gly)

Gene: GPAA1 (glycosylphosphatidylinositol anchor attachment 1; plus strand). Cytogenetic location: 8q24.3.
Variant type: single nucleotide variant.
Coding change: c.139C>G on transcript NM_003801.4 (MANE Select); coding-DNA position 139, C replaced by G.
Protein change: p.Arg47Gly; replaces arginine 47 with glycine.
Molecular consequence: missense variant.
Genome position (GRCh38, 1-based): chr8:144,083,188, C>G. VCF-style: chr8-144083188-C-G. GRCh37 (hg19) VCF-style: chr8-145138091-C-G.
Other names: short protein forms R47G.
Identifiers: ClinVar variation 1401148 (VCV001401148.8), dbSNP rs2129938411, ClinGen allele CA372597484.
Genomic context (GRCh38, chr8:144,083,188, plus strand): 5'-CTGAGCTACGTGGCGGGCATCGCCTGGTTCTTGGCGCTGGTTTTCCCGCCGCTGACCCAG[C>G]GCACTTACATGTCGGAGAACGCCATGGGCTCCACCATGGTGGAGGAGCAGTTTGCGGGCG-3'
Protein context (NP_003792.1, residues 37-57): LALVFPPLTQ[Arg47Gly]TYMSENAMGS

ClinVar aggregate classification (germline): Uncertain significance (1 of 4 stars; one submission).

Submission:

Labcorp Genetics (formerly Invitae), Labcorp
Classification: Uncertain significance. Last evaluated: 2022-10-17. Review status: criteria provided, single submitter. Criteria: Invitae Variant Classification Sherloc (09022015). Collection method: clinical testing. Allele origin: germline.
Comment: This sequence change replaces arginine, which is basic and polar, with glycine, which is neutral and non-polar, at codon 47 of the GPAA1 protein (p.Arg47Gly). This variant is not present in population databases (gnomAD no frequency). This variant has not been reported in the literature in individuals affected with GPAA1-related conditions. ClinVar contains an entry for this variant (Variation ID: 1401148). Advanced modeling of protein sequence and biophysical properties (such as structural, functional, and spatial information, amino acid conservation, physicochemical variation, residue mobility, and thermodynamic stability) performed at Invitae indicates that this missense variant is not expected to disrupt GPAA1 protein function. In summary, the available evidence is currently insufficient to determine the role of this variant in disease. Therefore, it has been classified as a Variant of Uncertain Significance.